The following is an entry in ClinVar:

NM_003400.4(XPO1):c.2525C>G (p.Pro842Arg)

Gene: XPO1 (exportin 1; minus strand). Cytogenetic location: 2p15.
Variant type: single nucleotide variant.
Coding change: c.2525C>G on transcript NM_003400.4 (MANE Select); coding-DNA position 2525, C replaced by G.
Protein change: p.Pro842Arg; replaces proline 842 with arginine.
Molecular consequence: missense variant.
Genome position (GRCh38, 1-based): chr2:61,484,089, G>C on the plus strand (C>G on the coding strand, the complement: XPO1 is on the minus strand). VCF-style: chr2-61484089-G-C. GRCh37 (hg19) VCF-style: chr2-61711224-G-C.
Other names: c.2390C>G, p.Pro797Arg (NM_001410799.1); c.2525C>G (NM_003400.3); short protein forms P797R, P842R.
Identifiers: ClinVar variation 4073406 (VCV004073406.2).

ClinVar aggregate classification (germline): Conflicting classifications of pathogenicity. Review status: criteria provided, conflicting classifications (1 of 4 stars). 2 submissions from 2 submitters: Pathogenic (1); Uncertain significance (1). Last evaluated 2025-07-21.

Conditions:
XPO1-associated Neurodevelopmental Disorder.

Submissions (2):

Genome Diagnostics Laboratory, University Medical Center Utrecht
Classification: Pathogenic for XPO1-associated Neurodevelopmental Disorder. Last evaluated: 2025-07-21. Review status: criteria provided, single submitter. Criteria: ACMG Guidelines, 2015. Collection method: research. Allele origin: germline. Affected: yes.
Comment: ACMG/AMP (Richards et al, 2015): PS2, PM2, PP2, PP3

GeneDx
Classification: Uncertain significance. Last evaluated: 2022-12-02. Review status: criteria provided, single submitter. Criteria: GeneDx Variant Classification Process June 2021. Collection method: clinical testing. Allele origin: germline. Affected: yes.
Comment: Not observed at significant frequency in large population cohorts (gnomAD); In silico analysis supports that this missense variant has a deleterious effect on protein structure/function; Has not been previously published as pathogenic or benign to our knowledge; Variants in candidate genes are classified as variants of uncertain significance in accordance with ACMG guidelines (Richards et al., 2015)